The following is an entry in ClinVar:

ClinVar aggregate classification (germline): Likely benign (1 of 4 stars; one submission).

Allele frequency attached by ClinVar (database versions not stated): TOPMed below 0.00001 and 0.00001; gnomAD 0.00001.
gnomAD v4.1: 1 of 1,531,612 alleles (0.000065%); highest among the groups gnomAD compares: Non-Finnish European, 0.00009%; no homozygotes.

Submission:

GeneDx
Classification: Likely benign. Last evaluated: 2017-10-24. Review status: criteria provided, single submitter. Criteria: GeneDx Variant Classification (06012015). Collection method: clinical testing. Allele origin: germline. Affected: yes.
Comment: This variant is considered likely benign or benign based on one or more of the following criteria: it is a conservative change, it occurs at a poorly conserved position in the protein, it is predicted to be benign by multiple in silico algorithms, and/or has population frequency not consistent with disease.

NM_001999.4(FBN2):c.436+20C>T

Gene: FBN2 (fibrillin 2; minus strand). Cytogenetic location: 5q23.3.
Variant type: single nucleotide variant.
Coding change: c.436+20C>T on transcript NM_001999.4 (MANE Select); 20 bases into the intron after coding-DNA position 436, C replaced by T.
Molecular consequence: intron variant.
Genome position (GRCh38, 1-based): chr5:128,530,575, G>A on the plus strand (C>T on the coding strand, the complement: FBN2 is on the minus strand). VCF-style: chr5-128530575-G-A. GRCh37 (hg19) VCF-style: chr5-127866268-G-A.
Identifiers: ClinVar variation 512876 (VCV000512876.1), dbSNP rs1168120609, ClinGen allele CA658796632.